The following is an entry in ClinVar:

NM_001103.4(ACTN2):c.686T>G (p.Leu229Trp)

Gene: ACTN2 (actinin alpha 2; plus strand). Cytogenetic location: 1q43.
Variant type: single nucleotide variant.
Coding change: c.686T>G on transcript NM_001103.4 (MANE Select); coding-DNA position 686, T replaced by G.
Protein change: p.Leu229Trp; replaces leucine 229 with tryptophan.
Molecular consequence: missense variant. On other transcripts: 5 prime UTR variant (1).
Genome position (GRCh38, 1-based): chr1:236,731,303, T>G. VCF-style: chr1-236731303-T-G. GRCh37 (hg19) VCF-style: chr1-236894603-T-G.
Other names: c.686T>G, p.Leu229Trp (NM_001278343.2); c.-136T>G (NM_001278344.2); short protein forms L229W.
Identifiers: ClinVar variation 532040 (VCV000532040.13), dbSNP rs141793230, ClinGen allele CA1472876.
Genomic context (GRCh38, chr1:236,731,303, plus strand): 5'-TAGGAAATATTAACCTGGCCATGGAAATCGCTGAGAAGCACCTGGATATTCCTAAAATGT[T>G]GGATGCTGAAGGTGAGATGAAAATTGTGTTTGCTGAGTTACAGGAAATTTGAAGACTACA-3'
Protein context (NP_001094.1, residues 219-239): AEKHLDIPKM[Leu229Trp]DAEDIVNTPK

ClinVar aggregate classification (germline): Uncertain significance. Review status: criteria provided, multiple submitters, no conflicts (2 of 4 stars). 3 submissions from 3 submitters: Uncertain significance (3). Last evaluated 2025-08-01.

Conditions:
Myopathy, distal, 6, adult-onset, autosomal dominant. Identifiers: MedGen C5203349, MONDO:0032853, OMIM 618655.
Myopathy, congenital, with structured cores and z-line abnormalities. Also called: CONGENITAL MYOPATHY 8; MULTIPLE STRUCTURED CORE DISEASE. Identifiers: MedGen C5231445, MONDO:0032852, OMIM 618654.
Dilated cardiomyopathy 1AA (CMD1AA). Also called: Cardiomyopathy, dilated, 1AA, with or without LVNC; CARDIOMYOPATHY, DILATED, 1AA, WITH OR WITHOUT LEFT VENTRICULAR NONCOMPACTION; CARDIOMYOPATHY, FAMILIAL HYPERTROPHIC, 23, WITH OR WITHOUT LEFT VENTRICULAR NONCOMPACTION. Identifiers: Orphanet 154, MedGen C2677338, MONDO:0012808, OMIM 612158.
Primary familial hypertrophic cardiomyopathy (HCM). Identifiers: Orphanet 99739, MedGen C0949658, MeSH D024741, MONDO:0024573. Inheritance: Various modes of inheritance.
Cardiomyopathy (CMYO). Also called: Cardiomyopathies. Identifiers: Orphanet 167848, MedGen C0878544, MONDO:0004994, HP:0001638. Inheritance: Various modes of inheritance.

Allele frequency attached by ClinVar (database versions not stated): gnomAD exomes below 0.00001; TOPMed below 0.00001; ExAC 0.00001; gnomAD 0.00001; ESP Exome Variant Server 0.00008.
gnomAD v4.1: 1 of 1,613,374 alleles (0.000062%); highest among the groups gnomAD compares: Non-Finnish European, 0.000085%; no homozygotes.

Submissions (4):

Labcorp Genetics (formerly Invitae), Labcorp
Classification: Uncertain significance for Primary familial hypertrophic cardiomyopathy; Dilated cardiomyopathy 1AA. Last evaluated: 2025-08-01. Review status: criteria provided, single submitter. Criteria: Invitae Variant Classification Sherloc (09022015). Collection method: clinical testing. Allele origin: germline.
Comment: This sequence change replaces leucine, which is neutral and non-polar, with tryptophan, which is neutral and slightly polar, at codon 229 of the ACTN2 protein (p.Leu229Trp). This variant is present in population databases (rs141793230, gnomAD 0.0009%). This variant has not been reported in the literature in individuals affected with ACTN2-related conditions. ClinVar contains an entry for this variant (Variation ID: 532040). Invitae Evidence Modeling of protein sequence and biophysical properties (such as structural, functional, and spatial information, amino acid conservation, physicochemical variation, residue mobility, and thermodynamic stability) indicates that this missense variant is expected to disrupt ACTN2 protein function with a positive predictive value of 80%. In summary, the available evidence is currently insufficient to determine the role of this variant in disease. Therefore, it has been classified as a Variant of Uncertain Significance.

Fulgent Genetics
Classification: Uncertain significance for Dilated cardiomyopathy 1AA; Myopathy, congenital, with structured cores and z-line abnormalities; Myopathy, distal, 6, adult-onset, autosomal dominant. Last evaluated: 2021-09-15. Review status: criteria provided, single submitter. Criteria: ACMG Guidelines, 2015. Collection method: clinical testing. Allele origin: unknown.

CHEO Genetics Diagnostic Laboratory, Children's Hospital of Eastern Ontario
Classification: Uncertain significance for Cardiomyopathy. Last evaluated: 2019-05-17. Review status: criteria provided, single submitter. Criteria: ACMG Guidelines, 2015. Collection method: clinical testing. Allele origin: germline.

Avery Lab, Oakland University
No classification provided (evidence only). Condition: Dilated cardiomyopathy 1AA; Hypertrophic cardiomyopathy 1. Review status: no classification provided. Collection method: in vitro. Allele origin: not applicable. Functional consequence: loss of function. Not counted in ClinVar's aggregate classification.